The following is an entry in ClinVar:

ClinVar aggregate classification (germline): Uncertain significance (1 of 4 stars; one submission).

Conditions:
Combined oxidative phosphorylation defect type 27. Also called: Combined oxidative phosphorylation deficiency 27. Identifiers: Orphanet 477774, MedGen C5567608, MONDO:0014728, OMIM 616672.

Allele frequency attached by ClinVar (database versions not stated): gnomAD 0.00001; TOPMed 0.00002.
gnomAD v4.1: 1 of 1,604,064 alleles (0.000062%); highest among the groups gnomAD compares: African/African-American, 0.0013%; no homozygotes.

Submission:

Labcorp Genetics (formerly Invitae), Labcorp
Classification: Uncertain significance for Combined oxidative phosphorylation defect type 27. Last evaluated: 2022-08-08. Review status: criteria provided, single submitter. Criteria: Invitae Variant Classification Sherloc (09022015). Collection method: clinical testing. Allele origin: germline.
Comment: In summary, the available evidence is currently insufficient to determine the role of this variant in disease. Therefore, it has been classified as a Variant of Uncertain Significance. Algorithms developed to predict the effect of missense changes on protein structure and function (SIFT, PolyPhen-2, Align-GVGD) all suggest that this variant is likely to be tolerated. This variant has not been reported in the literature in individuals affected with CARS2-related conditions. This variant is not present in population databases (gnomAD no frequency). This sequence change replaces methionine, which is neutral and non-polar, with isoleucine, which is neutral and non-polar, at codon 504 of the CARS2 protein (p.Met504Ile).

NM_024537.4(CARS2):c.1512G>A (p.Met504Ile)

Gene: CARS2 (cysteinyl-tRNA synthetase 2, mitochondrial; minus strand). Cytogenetic location: 13q34.
Variant type: single nucleotide variant.
Coding change: c.1512G>A on transcript NM_024537.4 (MANE Select); coding-DNA position 1512, G replaced by A.
Protein change: p.Met504Ile; replaces methionine 504 with isoleucine.
Molecular consequence: missense variant. On other transcripts: non-coding transcript variant (2).
Genome position (GRCh38, 1-based): chr13:110,642,426, C>T on the plus strand (G>A on the coding strand, the complement: CARS2 is on the minus strand). VCF-style: chr13-110642426-C-T. GRCh37 (hg19) VCF-style: chr13-111294773-C-T.
Other names: c.726G>A, p.Met242Ile (NM_001352252.2); short protein forms M242I, M504I.
Identifiers: ClinVar variation 1715703 (VCV001715703.5), dbSNP rs1428532636, ClinGen allele CA388740398.